The following continues an entry in ClinVar:

NM_005633.4(SOS1):c.1654A>G (p.Arg552Gly)

Gene: SOS1. ClinVar aggregate classification (germline): Pathogenic. Pathogenic (1).

Submissions 24 to 34 of 34:

Center for Genomics, Ann and Robert H. Lurie Children's Hospital of Chicago
Classification: Pathogenic for Noonan syndrome 4. Last evaluated: 2017-08-01. Review status: criteria provided, single submitter. Criteria: ACMG Guidelines, 2015. Collection method: clinical testing. Allele origin: germline. Not counted in ClinVar's aggregate classification.
Comment: SOS1 NM_005633.3 exon10 p.Arg552Gly (c.1654A>G): This variant has been well reported in the literature, identified in >10 individuals with a diagnosis or clinical features of Noonan syndrome, at least 5 of whom carried this variant de novo and segregating with disease in at least 1 family member. (Roberts 2007 PMID:17143285, Tartaglia 2007 PMID:17143282, Zenker 2007 PMID:17586837, Brasil 2010 PMID:21340158, Denayer 2010 PMID:19953625, Lepri 2011 PMID:21387466, Eyselbergs 2014 PMID:25073238). This variant is present in 1/111194 European individuals in the Genome Aggregation Database. Please note, disease causing variants may be present in control databases at low frequencies, reflective of the general population and/or variable expressivity. This variant is present in ClinVar, with several labs classifying this variant as pathogenic (Variation ID:12871). Evolutionary conservation and computational predictive tools suggest that this variant may impact the protein. Of note, several other variants at this position have been associated with disease (p.Arg552Lys, p.Arg552Met, p.Arg552Thr, p.Arg552Trp) and functional studies have shown a deleterious effect of this variant, suggesting that this region has critical functional significance (Sondermann 2005 PMID:16267129, Roberts 2007 PMID:17143285, Tartaglia 2007 PMID:17143282, Smith 2013 PMID:23487764). In summary, this variant is classified as pathogenic based on the data above (presence in multiple probands, presence as a de novo, absence from controls and predicted functional impact to protein).

Center of Genomic medicine, Geneva, University Hospital of Geneva
Classification: Pathogenic for Noonan syndrome 4. Last evaluated: 2017-05-09. Review status: criteria provided, single submitter. Criteria: ACMG Guidelines, 2015. Collection method: clinical testing. Allele origin: de novo. Affected: yes. Not counted in ClinVar's aggregate classification.

Center for Pediatric Genomic Medicine, Children's Mercy Hospital and Clinics
Classification: Pathogenic. Last evaluated: 2016-12-06. Review status: criteria provided, single submitter. Criteria: ACMG Guidelines, 2015. Collection method: clinical testing. Allele origin: de novo. Not counted in ClinVar's aggregate classification.

Center for Human Genetics, Inc
Classification: Pathogenic for Noonan syndrome 4. Last evaluated: 2016-11-01. Review status: criteria provided, single submitter. Criteria: ACMG Guidelines, 2015. Collection method: clinical testing. Allele origin: germline. Affected: yes. Not counted in ClinVar's aggregate classification.

Women's Health and Genetics/Laboratory Corporation of America, LabCorp
Classification: Pathogenic for RASopathy. Last evaluated: 2016-02-22. Review status: criteria provided, single submitter. Criteria: LabCorp Variant Classification Summary - May 2015. Collection method: clinical testing. Allele origin: germline. Not counted in ClinVar's aggregate classification.
Comment: Variant summary: The SOS1 c.1654A>G variant affects a conserved nucleotide, resulting in amino acid change from Arg to Gly. 4/4 in-silico tools predict damaging outcome for this variant (SNPs&GO not captured due to low reliability index). Functional studies of ERK and RAS activation suggest that R552G increases ERK and RAS activation, which is in agreement with the known mechanism of disease for SOS1 mutations in NS (a gain of function). This variant was not found in 121302 control chromosomes, however it has been cited in many NS patients in the literature. The variant is considered a known pathogenic mutation in the literature, and the most frequent SOS1 variant associated with NS. Additionally, multiple clinical diagnostic labs classify the variant as pathogenic. Taken together, this variant was classified as pathogenic.

Laboratory for Molecular Medicine, Mass General Brigham Personalized Medicine
Classification: Pathogenic for Noonan syndrome. Last evaluated: 2015-08-17. Review status: criteria provided, single submitter. Criteria: LMM Criteria. Collection method: clinical testing. Allele origin: germline. Inheritance: Autosomal dominant inheritance. Observed: 18 variant alleles. Not counted in ClinVar's aggregate classification.
Comment: The p.Arg552Gly variant in SOS1 has been reported in >25 individuals with clinic al features of Noonan syndrome, occurred de novo in at least 5 of these individu als, and segregated with disease in 5 affected relatives (Roberts 2007, Zenker 2 007, Tartaglia 2007, Neumann 2009, Brasil 2010, Denayer 2010, LMM unpublished da ta). It was absent from large population studies. In vitro functional studies pr ovide evidence that the p.Arg552Gly variant impacts protein function (Roberts 20 07, Tartaglia 2007, Smith 2013). In summary, this variant meets our criteria to be classified as pathogenic for Noonan syndrome in an autosomal dominant manner based upon de novo occurrence, segregation studies, absence from controls, and f unctional evidence.

Clinical Genetics Service, Universitary Hospital 12 de Octubre
Classification: Pathogenic for Noonan syndrome 4. Review status: criteria provided, single submitter. Criteria: ACMG Guidelines, 2015. Collection method: clinical testing. Allele origin: germline. Affected: yes. Not counted in ClinVar's aggregate classification.

Juno Genomics, Hangzhou Juno Genomics, Inc
Classification: Pathogenic for Fibromatosis, gingival, 1; Noonan syndrome 4. Review status: criteria provided, single submitter. Criteria: ACMG Guidelines, 2015. Collection method: clinical testing. Allele origin: germline. Affected: yes. Not counted in ClinVar's aggregate classification.
Comment: Absent from controls (or at extremely low frequency if recessive) in Genome Aggregation Database, Exome Sequencing Project, 1000 Genomes Project, or Exome Aggregation Consortium.;The prevalence of the variant in affected individuals is significantly increased compared to the prevalence in controls.;Assumed de novo, but without confirmation of paternity and maternity.;Well-established in vitro or in vivo functional studies supportive of a damaging effect on the gene or gene product.;Novel missense change at an amino acid residue where a different missense change determined to be pathogenic has been seen before.

Neuberg Centre For Genomic Medicine, NCGM
Classification: Pathogenic for Noonan syndrome 4. Review status: criteria provided, single submitter. Criteria: ACMG Guidelines, 2015. Collection method: clinical testing. Allele origin: germline. Inheritance: Autosomal dominant inheritance. Affected: yes. Not counted in ClinVar's aggregate classification.

Greenwood Genetic Center Diagnostic Laboratories, Greenwood Genetic Center
Classification: Pathogenic. Last evaluated: 2015-01-15. Review status: no assertion criteria provided. Collection method: clinical testing. Allele origin: germline. Not counted in ClinVar's aggregate classification.

OMIM
Classification: Pathogenic for NOONAN SYNDROME 4. Last evaluated: 2007-01-01. Review status: no assertion criteria provided. Collection method: literature only. Allele origin: germline. Not counted in ClinVar's aggregate classification.

Literature cited by the submitters: PubMed 17143285 (cited by 8 submitters); PubMed 17143282 (cited by 10 submitters); PubMed 17586837 (cited by 8 submitters); PubMed 21387466 (cited by 3 submitters); PubMed 20493809 (cited by 3 submitters); PubMed 23487764 (cited by 4 submitters); PubMed 19352411 (cited by Labcorp Genetics (formerly Invitae), Labcorp and Ambry Genetics); PubMed 22465605 (cited by Labcorp Genetics (formerly Invitae), Labcorp and Dasa); PubMed 29493581 (cited by Variantyx, Inc. and Division of Genetic & Genomic Pathology, Hong Kong Children's Hospital); PubMed 35418823 (cited by The Central Laboratory of Birth Defects Prevention and Control, The Affiliated Women and Children's Hospital of Ningbo University); PubMed 19953625 (cited by 6 submitters); PubMed 18854871 (cited by 4 submitters); PubMed 21340158 (cited by 4 submitters); PubMed 28957739 (cited by Dasa and Medical Genetics Center, Maternal and Child Health Hospital of Hubei Province); PubMed 29402968 (cited by Dasa); PubMed 24522193 (cited by Dasa and Laboratory for Molecular Medicine, Mass General Brigham Personalized Medicine); PubMed 31560489 (cited by Medical Genetics Center, Maternal and Child Health Hospital of Hubei Province); PubMed 31219622 (cited by Medical Genetics Center, Maternal and Child Health Hospital of Hubei Province); PubMed 30417923 (cited by Medical Genetics Center, Maternal and Child Health Hospital of Hubei Province); PubMed 28991257 (cited by Medical Genetics Center, Maternal and Child Health Hospital of Hubei Province); PubMed 34008892 (cited by Laboratory of Medical Genetics, National & Kapodistrian University of Athens); PubMed 25073238 (cited by Mayo Clinic Laboratories, Mayo Clinic); PubMed 24803665 (cited by Mayo Clinic Laboratories, Mayo Clinic).